The following is an entry in ClinVar:

ClinVar aggregate classification (germline): Benign (1 of 4 stars; one submission).

Allele frequency attached by ClinVar (database versions not stated): 1000 Genomes Project 0.39077; 1000 Genomes Project 30x 0.40459; gnomAD 0.44169 and 0.44932; TOPMed 0.44678.
gnomAD v4.1: 66,827 of 151,576 alleles (44%); highest among the groups gnomAD compares: African/African-American, 52%; 15,192 homozygotes.

Submission:

GeneDx
Classification: Benign. Last evaluated: 2018-06-14. Review status: criteria provided, single submitter. Criteria: GeneDx Variant Classification (06012015). Collection method: clinical testing. Allele origin: germline. Affected: yes.
Comment: This variant is considered likely benign or benign based on one or more of the following criteria: it is a conservative change, it occurs at a poorly conserved position in the protein, it is predicted to be benign by multiple in silico algorithms, and/or has population frequency not consistent with disease.

NM_005006.7(NDUFS1):c.1133+283G>A

Gene: NDUFS1 (NADH:ubiquinone oxidoreductase core subunit S1; minus strand). Cytogenetic location: 2q33.3.
Variant type: single nucleotide variant.
Coding change: c.1133+283G>A on transcript NM_005006.7 (MANE Select); 283 bases into the intron after coding-DNA position 1133, G replaced by A.
Molecular consequence: intron variant.
Genome position (GRCh38, 1-based): chr2:206,142,403, C>T on the plus strand (G>A on the coding strand, the complement: NDUFS1 is on the minus strand). VCF-style: chr2-206142403-C-T. GRCh37 (hg19) VCF-style: chr2-207007127-C-T.
Other names: c.800+283G>A (NM_001199982.2); c.962+283G>A (NM_001199983.2); c.1025+283G>A (NM_001199981.2); c.1175+283G>A (NM_001199984.2).
Identifiers: ClinVar variation 682758 (VCV000682758.1), dbSNP rs4147717, ClinGen allele CA11263113.